The following is an entry in ClinVar:

ClinVar aggregate classification (germline): Uncertain significance (1 of 4 stars; one submission).

Conditions:
Inborn genetic diseases. Identifiers: MedGen C0950123, MeSH D030342.

gnomAD v4.1: 1 of 1,613,258 alleles (0.000062%); highest among the groups gnomAD compares: Non-Finnish European, 0.000085%; no homozygotes.

Submission:

Ambry Genetics
Classification: Uncertain significance for Inborn genetic diseases. Last evaluated: 2025-06-04. Review status: criteria provided, single submitter. Criteria: Ambry Variant Classification Scheme 2023. Collection method: clinical testing. Allele origin: germline.
Comment: The p.S1326C variant (also known as c.3977C>G), located in coding exon 14 of the FANCM gene, results from a C to G substitution at nucleotide position 3977. The serine at codon 1326 is replaced by cysteine, an amino acid with dissimilar properties. This amino acid position is conserved. In addition, this alteration is predicted to be tolerated by in silico analysis. Based on the available evidence, the clinical significance of this variant remains unclear.

NM_020937.4(FANCM):c.3977C>G (p.Ser1326Cys)

Gene: FANCM (FA complementation group M; plus strand). Cytogenetic location: 14q21.2.
Variant type: single nucleotide variant.
Coding change: c.3977C>G on transcript NM_020937.4 (MANE Select); coding-DNA position 3977, C replaced by G.
Protein change: p.Ser1326Cys; replaces serine 1326 with cysteine.
Molecular consequence: missense variant.
Genome position (GRCh38, 1-based): chr14:45,176,731, C>G. VCF-style: chr14-45176731-C-G. GRCh37 (hg19) VCF-style: chr14-45645934-C-G.
Other names: c.3899C>G, p.Ser1300Cys (NM_001308133.2); short protein forms S1300C, S1326C.
Identifiers: ClinVar variation 4022851 (VCV004022851.1).
Genomic context (GRCh38, chr14:45,176,731, plus strand): 5'-ATTATGTACATTTGCCACTGAGTGCAGCAAAAAATGAAGAATTGTTATCTCCTGGTTATT[C>G]TCAGTTTTCTTTACCAGTGCAAAAAAAAGTTATGAGTACACCACTCTCTAAATCAAACAC-3'
Protein context (NP_065988.1, residues 1316-1336): KNEELLSPGY[Ser1326Cys]QFSLPVQKKV